The following is an entry in ClinVar:

ClinVar aggregate classification (germline): Uncertain significance (1 of 4 stars; one submission).

Conditions:
Polyp of colon. Also called: Colon polyps. Identifiers: MedGen C0009376, MONDO:0021400.

Allele frequency attached by ClinVar (database versions not stated): TOPMed 0.00003.

Submission:

CSER _CC_NCGL, University of Washington
Classification: Uncertain significance for Colon polyps. Last evaluated: 2016-09-01. Review status: criteria provided, single submitter. Criteria: Amendola et al. (Genome Res. 2015). Collection method: research. Allele origin: germline. Affected: yes. Study: CSER - NEXT Medicine variant annotation.
Comment: This interpretation considers GERP score and allele frequency data, in addition to published reports of the variant in the literature, available at the time of review.

NM_000534.5(PMS1):c.985C>G (p.Leu329Val)

Gene: PMS1 (PMS1 homolog 1, mismatch repair system component; plus strand). Cytogenetic location: 2q32.2.
Variant type: single nucleotide variant.
Coding change: c.985C>G on transcript NM_000534.5 (MANE Select); coding-DNA position 985, C replaced by G.
Protein change: p.Leu329Val; replaces leucine 329 with valine.
Molecular consequence: missense variant. On other transcripts: non-coding transcript variant (1).
Genome position (GRCh38, 1-based): chr2:189,854,257, C>G. VCF-style: chr2-189854257-C-G. GRCh37 (hg19) VCF-style: chr2-190718983-C-G.
Other names: c.868C>G, p.Leu290Val (NM_001128143.2, NM_001321044.2); c.985C>G, p.Leu329Val (NM_001128144.2, NM_001321045.2, NM_001321047.2 and 1 more transcripts); c.457C>G, p.Leu153Val (NM_001289408.2, NM_001289409.2); c.802C>G, p.Leu268Val (NM_001321046.2); short protein forms L329V, L268V, L290V, L153V.
Identifiers: ClinVar variation 599335 (VCV000599335.1), dbSNP rs770544182, ClinGen allele CA2026588.
Genomic context (GRCh38, chr2:189,854,257, plus strand): 5'-TTTTCATAATTTCCCCTAACATTTGTTAATTTGTATTTTTAGGAATCTGTTTTAATTGCT[C>G]TTGAAAATCTGATGACGACTTGTTATGGACCATTACCTAGTACAAATTCTTATGAAAATA-3'
Protein context (NP_000525.1, residues 319-339): LQNKESVLIA[Leu329Val]ENLMTTCYGP